The following is an entry in ClinVar:

ClinVar aggregate classification (germline): Uncertain significance (1 of 4 stars; one submission).

Conditions:
Familial thoracic aortic aneurysm and aortic dissection (TAAD). Also called: Thoracic aortic aneurysms and dissections. Identifiers: Orphanet 91387, MedGen C4707243, MONDO:0019625.

Submission:

Labcorp Genetics (formerly Invitae), Labcorp
Classification: Uncertain significance for Familial thoracic aortic aneurysm and aortic dissection. Last evaluated: 2024-08-06. Review status: criteria provided, single submitter. Criteria: Invitae Variant Classification Sherloc (09022015). Collection method: clinical testing. Allele origin: germline.
Comment: This sequence change replaces glycine, which is neutral and non-polar, with valine, which is neutral and non-polar, at codon 204 of the TGFBR2 protein (p.Gly204Val). This variant is not present in population databases (gnomAD no frequency). This variant has not been reported in the literature in individuals affected with TGFBR2-related conditions. Advanced modeling of protein sequence and biophysical properties (such as structural, functional, and spatial information, amino acid conservation, physicochemical variation, residue mobility, and thermodynamic stability) performed at Invitae indicates that this missense variant is not expected to disrupt TGFBR2 protein function with a negative predictive value of 95%. In summary, the available evidence is currently insufficient to determine the role of this variant in disease. Therefore, it has been classified as a Variant of Uncertain Significance.

NM_003242.6(TGFBR2):c.611G>T (p.Gly204Val)

Gene: TGFBR2 (transforming growth factor beta receptor 2; plus strand). Cytogenetic location: 3p24.1.
Variant type: single nucleotide variant.
Coding change: c.611G>T on transcript NM_003242.6 (MANE Select); coding-DNA position 611, G replaced by T.
Protein change: p.Gly204Val; replaces glycine 204 with valine.
Molecular consequence: missense variant. On other transcripts: intron variant (1).
Genome position (GRCh38, 1-based): chr3:30,671,794, G>T. VCF-style: chr3-30671794-G-T. GRCh37 (hg19) VCF-style: chr3-30713286-G-T.
Other names: c.686G>T, p.Gly229Val (NM_001024847.3); c.794G>T, p.Gly265Val (NM_001407126.1); c.719G>T, p.Gly240Val (NM_001407127.1); c.638G>T, p.Gly213Val (NM_001407128.1); c.614G>T, p.Gly205Val (NM_001407129.1); c.611G>T, p.Gly204Val (NM_001407130.1); c.506G>T, p.Gly169Val (NM_001407132.1, NM_001407133.1, NM_001407134.1 and 2 more transcripts); c.326G>T, p.Gly109Val (NM_001407137.1); and 2 more; short protein forms G169V, G204V, G240V, G205V, G265V, G84V, G109V, G213V.
Identifiers: ClinVar variation 3697125 (VCV003697125.2).
Genomic context (GRCh38, chr3:30,671,794, plus strand): 5'-TCATCTTCTACTGCTACCGCGTTAACCGGCAGCAGAAGCTGAGTTCAACCTGGGAAACCG[G>T]CAAGACGCGGAAGCTCATGGAGTTCAGCGAGCACTGTGCCATCATCCTGGAAGATGACCG-3'
Protein context (NP_003233.4, residues 194-214): QQKLSSTWET[Gly204Val]KTRKLMEFSE